The following is an entry in ClinVar:

NM_033641.4(COL4A6):c.2807_2808inv (p.Arg936His)

Gene: COL4A6 (collagen type IV alpha 6 chain; minus strand). Cytogenetic location: Xq22.3.
Variant type: Inversion.
Coding change: c.2807_2808inv on transcript NM_033641.4 (MANE Select).
Protein change: p.Arg936His; replaces arginine 936 with histidine.
Molecular consequence: missense variant.
Genome position: GRCh38 VCF-style: chrX-108175676-AC-GT. GRCh37 (hg19) VCF-style: chrX-107418906-AC-GT.
Other names: c.2858_2859inv, p.Arg953His (NM_001287758.2); c.2807_2808inv, p.Arg936His (NM_001287759.2, NM_001287760.2); c.2810_2811inv, p.Arg937His (NM_001847.4); short protein forms R953H, R937H, R936H.
Identifiers: ClinVar variation 1447566 (VCV001447566.5), ClinGen allele CA2573159161.

ClinVar aggregate classification (germline): Uncertain significance (1 of 4 stars; one submission).

Submission:

Labcorp Genetics (formerly Invitae), Labcorp
Classification: Uncertain significance. Last evaluated: 2025-06-13. Review status: criteria provided, single submitter. Criteria: Invitae Variant Classification Sherloc (09022015). Collection method: clinical testing. Allele origin: germline.
Comment: This sequence change replaces arginine, which is basic and polar, with histidine, which is basic and polar, at codon 937 of the COL4A6 protein (p.Arg937His). This variant is present in population databases (no rsID available, gnomAD 0.02%). This variant has not been reported in the literature in individuals affected with COL4A6-related conditions. ClinVar contains an entry for this variant (Variation ID: 1447566). An algorithm developed to predict the effect of missense changes on protein structure and function (PolyPhen-2) suggests that this variant is likely to be tolerated. In summary, the available evidence is currently insufficient to determine the role of this variant in disease. Therefore, it has been classified as a Variant of Uncertain Significance.